The following is an entry in ClinVar:

ClinVar aggregate classification (germline): Uncertain significance (1 of 4 stars; one submission).

Submission:

Labcorp Genetics (formerly Invitae), Labcorp
Classification: Uncertain significance. Last evaluated: 2023-03-18. Review status: criteria provided, single submitter. Criteria: Invitae Variant Classification Sherloc (09022015). Collection method: clinical testing. Allele origin: germline.
Comment: In summary, the available evidence is currently insufficient to determine the role of this variant in disease. Therefore, it has been classified as a Variant of Uncertain Significance. Advanced modeling of protein sequence and biophysical properties (such as structural, functional, and spatial information, amino acid conservation, physicochemical variation, residue mobility, and thermodynamic stability) performed at Invitae indicates that this missense variant is expected to disrupt DNAH9 protein function. This variant has not been reported in the literature in individuals affected with DNAH9-related conditions. This variant is not present in population databases (gnomAD no frequency). This sequence change replaces proline, which is neutral and non-polar, with serine, which is neutral and polar, at codon 2276 of the DNAH9 protein (p.Pro2276Ser).

NM_001372.4(DNAH9):c.6826C>T (p.Pro2276Ser)

Gene: DNAH9 (dynein axonemal heavy chain 9; plus strand). Cytogenetic location: 17p12.
Variant type: single nucleotide variant.
Coding change: c.6826C>T on transcript NM_001372.4 (MANE Select); coding-DNA position 6826, C replaced by T.
Protein change: p.Pro2276Ser; replaces proline 2276 with serine.
Molecular consequence: missense variant.
Genome position (GRCh38, 1-based): chr17:11,756,655, C>T. VCF-style: chr17-11756655-C-T. GRCh37 (hg19) VCF-style: chr17-11659972-C-T.
Other names: short protein forms P2276S.
Identifiers: ClinVar variation 2847122 (VCV002847122.3), dbSNP rs1567778272, ClinGen allele CA398195410.